The following is an entry in ClinVar:

ClinVar aggregate classification (germline): Uncertain significance (1 of 4 stars; one submission).

Submission:

Labcorp Genetics (formerly Invitae), Labcorp
Classification: Uncertain significance. Last evaluated: 2023-02-14. Review status: criteria provided, single submitter. Criteria: Invitae Variant Classification Sherloc (09022015). Collection method: clinical testing. Allele origin: germline.
Comment: This sequence change falls in intron 12 of the CAMK2B gene. It does not directly change the encoded amino acid sequence of the CAMK2B protein. It affects a nucleotide within the consensus splice site. This variant is not present in population databases (gnomAD no frequency). This variant has not been reported in the literature in individuals affected with CAMK2B-related conditions. Variants that disrupt the consensus splice site are a relatively common cause of aberrant splicing (PMID: 17576681, 9536098). Algorithms developed to predict the effect of sequence changes on RNA splicing suggest that this variant is not likely to affect RNA splicing. In summary, the available evidence is currently insufficient to determine the role of this variant in disease. Therefore, it has been classified as a Variant of Uncertain Significance.

Literature cited by the submitters: PubMed 17576681; PubMed 9536098.

NM_001220.5(CAMK2B):c.947-3C>T

Gene: CAMK2B (calcium/calmodulin dependent protein kinase II beta; minus strand). Cytogenetic location: 7p13.
Variant type: single nucleotide variant.
Coding change: c.947-3C>T on transcript NM_001220.5 (MANE Select); 3 bases into the intron before coding-DNA position 947, C replaced by T.
Molecular consequence: intron variant.
Genome position (GRCh38, 1-based): chr7:44,239,666, G>A on the plus strand (C>T on the coding strand, the complement: CAMK2B is on the minus strand). VCF-style: chr7-44239666-G-A. GRCh37 (hg19) VCF-style: chr7-44279265-G-A.
Other names: c.946+1041C>T (NM_172084.3, NM_172080.3, NM_172083.3 and 2 more transcripts); c.947-3C>T (NM_172082.3, NM_001293170.2, NM_172078.3).
Identifiers: ClinVar variation 2837600 (VCV002837600.3), dbSNP rs2485934221, ClinGen allele CA2682611176.
Genomic context (GRCh38, chr7:44,239,666, plus strand): 5'-ATGGTGGTGCCGGAGGCCGCGGTGGACATTGTGGCCGGAGCGGTGGTCTGTCTGCCCACT[G>A]TTAGCACCGGGTTAGAGACGAGGGGAAGGGAGGGGTGGGCGGACACAGACGAGGGGTGGG-3'